The following is an entry in ClinVar:

ClinVar aggregate classification (germline): Uncertain significance. Review status: criteria provided, multiple submitters, no conflicts (2 of 4 stars). 2 submissions from 2 submitters: Uncertain significance (2). Last evaluated 2025-08-27.

Conditions:
Hereditary cancer-predisposing syndrome. Also called: Tumor predisposition; Hereditary neoplastic syndrome; Hereditary Cancer Syndrome; Neoplastic Syndromes, Hereditary. Identifiers: Orphanet 140162, MedGen C0027672, MeSH D009386, MONDO:0015356.

Allele frequency attached by ClinVar (database versions not stated): TOPMed below 0.00001.

Submissions (2):

Labcorp Genetics (formerly Invitae), Labcorp
Classification: Uncertain significance. Last evaluated: 2025-08-27. Review status: criteria provided, single submitter. Criteria: Invitae Variant Classification Sherloc (09022015). Collection method: clinical testing. Allele origin: germline.
Comment: This sequence change replaces glycine, which is neutral and non-polar, with serine, which is neutral and polar, at codon 1191 of the POLE protein (p.Gly1191Ser). This variant is not present in population databases (gnomAD no frequency). This variant has not been reported in the literature in individuals affected with POLE-related conditions. ClinVar contains an entry for this variant (Variation ID: 964196). Invitae Evidence Modeling of protein sequence and biophysical properties (such as structural, functional, and spatial information, amino acid conservation, physicochemical variation, residue mobility, and thermodynamic stability) indicates that this missense variant is not expected to disrupt POLE protein function with a negative predictive value of 80%. In summary, the available evidence is currently insufficient to determine the role of this variant in disease. Therefore, it has been classified as a Variant of Uncertain Significance.

Ambry Genetics
Classification: Uncertain significance for Hereditary cancer-predisposing syndrome. Last evaluated: 2024-12-17. Review status: criteria provided, single submitter. Criteria: Ambry Variant Classification Scheme 2023. Collection method: clinical testing. Allele origin: germline.
Comment: The p.G1191S variant (also known as c.3571G>A), located in coding exon 29 of the POLE gene, results from a G to A substitution at nucleotide position 3571. The glycine at codon 1191 is replaced by serine, an amino acid with similar properties. This amino acid position is highly conserved in available vertebrate species. In addition, the in silico prediction for this alteration is inconclusive. Based on the available evidence, the clinical significance of this variant remains unclear.

NM_006231.4(POLE):c.3571G>A (p.Gly1191Ser)

Gene: POLE (DNA polymerase epsilon, catalytic subunit; minus strand). Cytogenetic location: 12q24.33.
Variant type: single nucleotide variant.
Coding change: c.3571G>A on transcript NM_006231.4 (MANE Select); coding-DNA position 3571, G replaced by A.
Protein change: p.Gly1191Ser; replaces glycine 1191 with serine.
Molecular consequence: missense variant.
Genome position (GRCh38, 1-based): chr12:132,657,147, C>T on the plus strand (G>A on the coding strand, the complement: POLE is on the minus strand). VCF-style: chr12-132657147-C-T. GRCh37 (hg19) VCF-style: chr12-133233733-C-T.
Other names: c.3571G>A (NM_006231.2); short protein forms G1191S.
Identifiers: ClinVar variation 964196 (VCV000964196.11), dbSNP rs2042561389, ClinGen allele CA387388320.
Genomic context (GRCh38, chr12:132,657,147, plus strand): 5'-GTGTGTCACAAGGATCCCGCCCAGCCCAGCCTTGGGGCCCCACCGTCACCTGTCTCCTGC[C>T]CTCCAGGGTGAAGAGCTCACTGATCTTCTTCTGCTTGTAGACATCATTCTTCTCCAGCAG-3'
Protein context (NP_006222.2, residues 1181-1201): KKISELFTLE[Gly1191Ser]RRQVTMAEAS